The following is an entry in ClinVar:

ClinVar aggregate classification (germline): Likely benign (0 of 4 stars; one submission).

Conditions:
RAB3GAP1-related disorder. Also called: RAB3GAP1-related disorders; RAB3GAP1-related condition.

Allele frequency attached by ClinVar (database versions not stated): TOPMed below 0.00001.
gnomAD v4.1: 1 of 1,599,296 alleles (0.000063%); highest among the groups gnomAD compares: Non-Finnish European, 0.000086%; no homozygotes.

Submission:

PreventionGenetics, part of Exact Sciences
Classification: Likely benign for RAB3GAP1-related condition. Last evaluated: 2022-05-02. Review status: no assertion criteria provided. Collection method: clinical testing. Allele origin: germline.
Comment: This variant is classified as likely benign based on ACMG/AMP sequence variant interpretation guidelines (Richards et al. 2015 PMID: 25741868, with internal and published modifications).

NM_012233.3(RAB3GAP1):c.75-8C>T

Gene: RAB3GAP1 (RAB3 GTPase activating protein catalytic subunit 1; plus strand). Cytogenetic location: 2q21.3.
Variant type: single nucleotide variant.
Coding change: c.75-8C>T on transcript NM_012233.3 (MANE Select); 8 bases into the intron before coding-DNA position 75, C replaced by T.
Molecular consequence: intron variant.
Genome position (GRCh38, 1-based): chr2:135,058,003, C>T. VCF-style: chr2-135058003-C-T. GRCh37 (hg19) VCF-style: chr2-135815573-C-T.
Other names: c.75-8C>T (NM_001172435.2).
Identifiers: ClinVar variation 3061530 (VCV003061530.2), dbSNP rs1689062422, ClinGen allele CA1290492815.
Genomic context (GRCh38, chr2:135,058,003, plus strand): 5'-AAGAAATTACATAATAATAGGAAAAAAGGTGTGCTGTTGTATTTAGAAGCTTTCTCCCTA[C>T]TTCCTAGGTTTATTTCCAAAGTTGAAGAAGTCTTGAATGACTGGAAACTGATTGGAAACT-3'